The following is an entry in ClinVar:

ClinVar aggregate classification (germline): Benign/Likely benign. Review status: criteria provided, multiple submitters, no conflicts (2 of 4 stars). 7 submissions from 7 submitters: Benign (3); Likely benign (3). 1 of the submissions does not count toward it. Last evaluated 2026-05-01.

Conditions:
Polycystic kidney disease, adult type (PKD1). Also called: POLYCYSTIC KIDNEY DISEASE, ADULT, TYPE I; Polycystic Kidney, Autosomal Dominant; POLYCYSTIC KIDNEY DISEASE 1 WITH OR WITHOUT POLYCYSTIC LIVER DISEASE; Polycystic Kidney Disease 1, Autosomal Dominant; Polycystic kidney disease 1; Polycystic kidney disease 1, severe. Identifiers: MedGen C3149841, MONDO:0008263, OMIM 173900.
PKD1-related disorder. Also called: PKD1-related condition.
Autosomal dominant polycystic kidney disease. Identifiers: Orphanet 730, MedGen C0085413, MONDO:0004691.

Allele frequency attached by ClinVar (database versions not stated): ESP Exome Variant Server 0.00008; gnomAD 0.00019 and 0.00038; TOPMed 0.00025; gnomAD exomes 0.00066; 1000 Genomes Project 30x 0.00219; 1000 Genomes Project 0.00240.
gnomAD v4.1: 584 of 1,605,002 alleles (0.036%); highest among the groups gnomAD compares: Middle Eastern, 0.63%; 10 homozygotes.

Submissions (7):

CeGaT Center for Human Genetics Tuebingen
Classification: Likely benign. Last evaluated: 2026-05-01. Review status: criteria provided, single submitter. Criteria: CeGaT Center For Human Genetics Tuebingen Variant Classification Criteria Version 2. Collection method: clinical testing. Allele origin: germline. Affected: yes. Observed: 1 variant allele.
Comment: PKD1: BP4, BP7

PreventionGenetics, part of Exact Sciences
Classification: Likely benign for PKD1-related condition. Last evaluated: 2025-05-23. Review status: criteria provided, single submitter. Criteria: ACMG Guidelines, 2015. Collection method: clinical testing. Allele origin: germline.
Comment: This variant is classified as likely benign based on ACMG/AMP sequence variant interpretation guidelines (Richards et al. 2015 PMID: 25741868, with internal and published modifications).

Blueprint Genetics
Classification: Likely benign. Last evaluated: 2024-11-25. Review status: criteria provided, single submitter. Criteria: ACMG Guidelines, 2015. Collection method: clinical testing. Allele origin: germline.

Fulgent Genetics
Classification: Benign for Polycystic kidney disease, adult type. Last evaluated: 2021-08-23. Review status: criteria provided, single submitter. Criteria: ACMG Guidelines, 2015. Collection method: clinical testing. Allele origin: unknown.

Athena Diagnostics
Classification: Benign. Last evaluated: 2019-02-11. Review status: criteria provided, single submitter. Criteria: Athena Diagnostics Criteria. Collection method: clinical testing. Allele origin: germline.

Breakthrough Genomics
Classification: Benign. Review status: criteria provided, single submitter. Criteria: ACMG Guidelines, 2015. Collection method: not provided. Allele origin: germline. Inheritance: Autosomal dominant inheritance. Affected: yes.

Department of Pathology and Laboratory Medicine, Sinai Health System
Classification: Benign for Autosomal dominant polycystic kidney disease. Review status: no assertion criteria provided. Collection method: clinical testing. Allele origin: unknown. Affected: yes. Study: The Canadian Open Genetics Repository (COGR). Not counted in ClinVar's aggregate classification.
Comment: The PKD1 p.Ser3373Ser variant was not identified in the literature nor was it identified in the in dbSNP, Clinvitae, ClinVar, GeneInsight COGR, MutDB, ADPKD Mutation Database, PKD1-LOVD, and PKD1-LOVD 3.0 databases. This variant was identified in the 1000 Genomes Project in 12 of 5000 chromosomes (frequency: 0.0024), HAPMAP populations: -SAS in 10 of 978 chromosomes (frequency: 0.0102)/ -AMR in 1 of 694 chromosomes (frequency: 0.0014)/ -AFR in 1 of 1322 chromosomes (frequency: 0.0008), NHLBI GO Exome Sequencing Project in 1 of 4362 African American alleles (frequency: 0.00022), and in the Exome Aggregation Consortium database (March 14, 2016) in 81 of 85286 chromosomes (freq. 00095) in the following populations: Other in 4 of 668 chromosomes (freq. 00599), South Asian in 53 (1 homozygous)of 14172 chromosomes (freq. 0.00374), African in 5 of 6322 chromosomes (freq. 0.00079), European (Non-Finnish) in 16 (1 homozygous) of 46062 chromosomes (freq. 0.00035), Latino in 2 of 7500 chromosomes (freq. 0.00027), East Asian in 1 of 6202 chromosomes (freq. 0.00016) but was not seen in European (Finnish) populations, increasing the likelihood this could be a low frequency benign variant. â€šÃ„ÃºIn addition we cannot be certain that data from control databases is specific to PKD1 and not from one of the six PKD1 pseudogenes.â€šÃ„Ã¹ The p.Ser3373Ser variant is not expected to have clinical significance because it does not result in a change of amino acid and is not located in a known consensus splice site. The variant occurs outside of the splicing consensus sequence and 1 of 5 in silico or computational prediction software programs (SpliceSiteFinder, MaxEntScan, NNSPLICE, GeneSplicer, HumanSpliceFinder) predict a greater than 10% difference in splicing; this is not very predictive of pathogenicity. In summary, based on the above information, this variant meets our laboratory's criteria to be classified as benign.

NM_001009944.3(PKD1):c.10119G>A (p.Ser3373=)

Gene: PKD1 (polycystin 1, transient receptor potential channel interacting; minus strand). Cytogenetic location: 16p13.3.
Variant type: single nucleotide variant.
Coding change: c.10119G>A on transcript NM_001009944.3 (MANE Select); coding-DNA position 10119, G replaced by A.
Protein change: p.Ser3373=; no amino-acid change (serine 3373 retained).
Molecular consequence: synonymous variant.
Genome position (GRCh38, 1-based): chr16:2,097,916, C>T on the plus strand (G>A on the coding strand, the complement: PKD1 is on the minus strand). VCF-style: chr16-2097916-C-T. GRCh37 (hg19) VCF-style: chr16-2147917-C-T.
Other names: c.10119G>A, p.Ser3373= (NM_000296.4).
Identifiers: ClinVar variation 433998 (VCV000433998.9), dbSNP rs376838860, ClinGen allele CA7829799.